The following is an entry in ClinVar:

NM_004260.4(RECQL4):c.1089C>A (p.Tyr363Ter)

Gene: RECQL4 (RecQ like helicase 4; minus strand). Cytogenetic location: 8q24.3.
Variant type: single nucleotide variant.
Coding change: c.1089C>A on transcript NM_004260.4 (MANE Select); coding-DNA position 1089, C replaced by A.
Protein change: p.Tyr363Ter; replaces tyrosine 363 with a stop codon.
Molecular consequence: nonsense.
Genome position (GRCh38, 1-based): chr8:144,516,030, G>T on the plus strand (C>A on the coding strand, the complement: RECQL4 is on the minus strand). VCF-style: chr8-144516030-G-T. GRCh37 (hg19) VCF-style: chr8-145741414-G-T.
Other names: c.1089C>A (NM_004260.3); short protein forms Y363*.
Identifiers: ClinVar variation 1070028 (VCV001070028.6), dbSNP rs377589237, ClinGen allele CA187688313.

ClinVar aggregate classification (germline): Pathogenic. Review status: criteria provided, multiple submitters, no conflicts (2 of 4 stars). 2 submissions from 2 submitters: Pathogenic (2). Last evaluated 2025-11-27.

Conditions:
RECQL4-related disorder. Also called: RECQL4-related condition; RECQL4-related disorders.
Baller-Gerold syndrome (BGS). Also called: CRANIOSYNOSTOSIS WITH RADIAL DEFECTS. Identifiers: Orphanet 1225, MedGen C0265308, MONDO:0009039, OMIM 218600.

Submissions (2):

Labcorp Genetics (formerly Invitae), Labcorp
Classification: Pathogenic for Baller-Gerold syndrome. Last evaluated: 2025-11-27. Review status: criteria provided, single submitter. Criteria: Invitae Variant Classification Sherloc (09022015). Collection method: clinical testing. Allele origin: germline.
Comment: This sequence change creates a premature translational stop signal (p.Tyr363*) in the RECQL4 gene. It is expected to result in an absent or disrupted protein product. Loss-of-function variants in RECQL4 are known to be pathogenic (PMID: 12734318, 12952869). This variant is present in population databases (no rsID available, gnomAD 0.0009%). This variant has not been reported in the literature in individuals affected with RECQL4-related conditions. ClinVar contains an entry for this variant (Variation ID: 1070028). Algorithms developed to predict the effect of sequence changes on RNA splicing suggest that this variant may disrupt the consensus splice site. For these reasons, this variant has been classified as Pathogenic.

Women's Health and Genetics/Laboratory Corporation of America, LabCorp
Classification: Pathogenic for RECQL4-Related Disorders. Last evaluated: 2023-09-26. Review status: criteria provided, single submitter. Criteria: LabCorp Variant Classification Summary - May 2015. Collection method: clinical testing. Allele origin: germline.
Comment: Variant summary: RECQL4 c.1089C>A (p.Tyr363X) results in a premature termination codon, predicted to cause a truncation of the encoded protein or absence of the protein due to nonsense mediated decay, which are commonly known mechanisms for disease. The variant allele was found at a frequency of 4e-06 in 247582 control chromosomes. To our knowledge, no occurrence of c.1089C>A in individuals affected with RECQL4-Related Disorders and no experimental evidence demonstrating its impact on protein function have been reported. One submitter has cited clinical-significance assessments for this variant to ClinVar after 2014 and has classified the variant as pathogenic. Based on the evidence outlined above, the variant was classified as pathogenic.

Literature cited by the submitters: PubMed 12734318 (cited by Labcorp Genetics (formerly Invitae), Labcorp); PubMed 12952869 (cited by Labcorp Genetics (formerly Invitae), Labcorp).